The following is an entry in ClinVar:

ClinVar aggregate classification (germline): Uncertain significance. Review status: criteria provided, single submitter (1 of 4 stars). 2 submissions from 2 submitters: Uncertain significance (1). 1 of the submissions does not count toward it. Last evaluated 2022-05-08.

Conditions:
Hereditary sensory and autonomic neuropathy type 6. Also called: HSAN VI; Neuropathy, hereditary sensory and autonomic, type VI. Identifiers: Orphanet 314381, MedGen C3539003, MONDO:0013839, OMIM 614653.
Epidermolysis bullosa simplex 3, localized or generalized intermediate, with BP230 deficiency (EBS3). Also called: Epidermolysis bullosa simplex, autosomal recessive 2; Epidermolysis bullosa simplex due to BP230 deficiency. Identifiers: Orphanet 412181, MedGen C3809470, MONDO:0014180, OMIM 615425.
DST-related disorder. Also called: DST-related condition; DST-related disorders.

Allele frequency attached by ClinVar (database versions not stated): gnomAD 0.00001; gnomAD exomes 0.00001; TOPMed 0.00001; ExAC 0.00002.
gnomAD v4.1: 21 of 1,606,970 alleles (0.0013%); highest among the groups gnomAD compares: Non-Finnish European, 0.0018%; no homozygotes.

Submissions (2):

Labcorp Genetics (formerly Invitae), Labcorp
Classification: Uncertain significance for Epidermolysis bullosa simplex 3, localized or generalized intermediate, with BP230 deficiency; Hereditary sensory and autonomic neuropathy type 6. Last evaluated: 2022-05-08. Review status: criteria provided, single submitter. Criteria: Invitae Variant Classification Sherloc (09022015). Collection method: clinical testing. Allele origin: germline.
Comment: The DST gene has multiple clinically relevant transcripts. This variant occurs in alternate transcript NM_015548.4, and corresponds to NM_001723.5:c.*125904C>G in the primary transcript. This sequence change falls in intron 66 of the DST gene. It does not directly change the encoded amino acid sequence of the DST protein. This variant is present in population databases (rs750025612, gnomAD 0.003%). This variant has not been reported in the literature in individuals affected with DST-related conditions. Experimental studies and prediction algorithms are not available or were not evaluated, and the effect of this variant on mRNA splicing is currently unknown. In summary, the available evidence is currently insufficient to determine the role of this variant in disease. Therefore, it has been classified as a Variant of Uncertain Significance.

PreventionGenetics, part of Exact Sciences
Classification: Likely benign for DST-related condition. Last evaluated: 2019-09-06. Review status: no assertion criteria provided. Collection method: clinical testing. Allele origin: germline. Not counted in ClinVar's aggregate classification.
Comment: This variant is classified as likely benign based on ACMG/AMP sequence variant interpretation guidelines (Richards et al. 2015 PMID: 25741868, with internal and published modifications).

NM_001374736.1(DST):c.20758-4C>G

Gene: DST (dystonin; minus strand). Cytogenetic location: 6p12.1.
Variant type: single nucleotide variant.
Coding change: c.20758-4C>G on transcript NM_001374736.1 (MANE Select); 4 bases into the intron before coding-DNA position 20758, C replaced by G.
Molecular consequence: intron variant.
Genome position (GRCh38, 1-based): chr6:56,489,613, G>C on the plus strand (C>G on the coding strand, the complement: DST is on the minus strand). VCF-style: chr6-56489613-G-C. GRCh37 (hg19) VCF-style: chr6-56354411-G-C.
Other names: c.14401-4C>G (NM_001144769.5, NM_001144769.2); c.20758-4C>G (NM_001374722.1); c.20785-4C>G (NM_001374734.1); c.13987-4C>G (NM_001144770.2); c.13540-4C>G (NM_001374730.1); c.13867-4C>G (NM_001386100.1, NM_183380.4); c.19798-4C>G (NM_001374729.1); c.12889-4C>G (NM_015548.5).
Identifiers: ClinVar variation 1897448 (VCV001897448.4), dbSNP rs750025612, ClinGen allele CA3866673.